The following is an entry in ClinVar:

ClinVar aggregate classification (germline): Likely benign. Review status: criteria provided, multiple submitters, no conflicts (2 of 4 stars). 2 submissions from 2 submitters: Likely benign (2). Last evaluated 2025-12-29.

Allele frequency attached by ClinVar (database versions not stated): gnomAD exomes 0.00001 and 0.00003; ExAC 0.00007.
gnomAD v4.1: 16 of 1,596,760 alleles (0.001%); highest among the groups gnomAD compares: South Asian, 0.018%; no homozygotes.

Submissions (2):

Labcorp Genetics (formerly Invitae), Labcorp
Classification: Likely benign. Last evaluated: 2025-12-29. Review status: criteria provided, single submitter. Criteria: Invitae Variant Classification Sherloc (09022015). Collection method: clinical testing. Allele origin: germline.

CeGaT Center for Human Genetics Tuebingen
Classification: Likely benign. Last evaluated: 2024-11-01. Review status: criteria provided, single submitter. Criteria: CeGaT Center For Human Genetics Tuebingen Variant Classification Criteria Version 2. Collection method: clinical testing. Allele origin: germline. Affected: yes. Observed: 1 variant allele.
Comment: NPHS1: BP4, BP7

NM_004646.4(NPHS1):c.1548C>T (p.Val516=)

Gene: NPHS1 (NPHS1 adhesion molecule, nephrin; minus strand). Cytogenetic location: 19q13.12.
Variant type: single nucleotide variant.
Coding change: c.1548C>T on transcript NM_004646.4 (MANE Select); coding-DNA position 1548, C replaced by T.
Protein change: p.Val516=; no amino-acid change (valine 516 retained).
Molecular consequence: synonymous variant.
Genome position (GRCh38, 1-based): chr19:35,846,087, G>A on the plus strand (C>T on the coding strand, the complement: NPHS1 is on the minus strand). VCF-style: chr19-35846087-G-A. GRCh37 (hg19) VCF-style: chr19-36336989-G-A.
Identifiers: ClinVar variation 1112703 (VCV001112703.23), dbSNP rs777702892, ClinGen allele CA9390397.